The following is an entry in ClinVar:

ClinVar aggregate classification (germline): Uncertain significance (1 of 4 stars; one submission).

Conditions:
H syndrome. Also called: HISTIOCYTOSIS AND LYMPHADENOPATHY WITH OR WITHOUT CUTANEOUS, CARDIAC, AND/OR ENDOCRINE FEATURES, JOINT CONTRACTURES, AND/OR DEAFNESS; HYPERPIGMENTATION, CUTANEOUS, WITH HYPERTRICHOSIS, HEPATOSPLENOMEGALY, HEART ANOMALIES, AND HYPOGONADISM WITH OR WITHOUT HEARING LOSS; PIGMENTED HYPERTRICHOSIS WITH INSULIN-DEPENDENT DIABETES MELLITUS; ROSAI-DORFMAN DISEASE, FAMILIAL; SINUS HISTIOCYTOSIS AND MASSIVE LYMPHADENOPATHY; Hyperpigmentation, Cutaneous, with Hypertrichosis, Hepatosplenomegaly, Heart Anomalies, Hearing Loss, and Hypogonadism. Identifiers: Orphanet 168569, MedGen C1864445, MONDO:0011273, OMIM 602782.

Allele frequency attached by ClinVar (database versions not stated): TOPMed below 0.00001; gnomAD 0.00001.
gnomAD v4.1: 3 of 1,614,030 alleles (0.00019%); highest among the groups gnomAD compares: Admixed American, 0.005%; no homozygotes.

Submission:

Labcorp Genetics (formerly Invitae), Labcorp
Classification: Uncertain significance for H syndrome. Last evaluated: 2022-05-13. Review status: criteria provided, single submitter. Criteria: Invitae Variant Classification Sherloc (09022015). Collection method: clinical testing. Allele origin: germline.
Comment: This sequence change replaces valine, which is neutral and non-polar, with leucine, which is neutral and non-polar, at codon 173 of the SLC29A3 protein (p.Val173Leu). This variant is present in population databases (rs752487563, gnomAD 0.006%). This variant has not been reported in the literature in individuals affected with SLC29A3-related conditions. Algorithms developed to predict the effect of missense changes on protein structure and function are either unavailable or do not agree on the potential impact of this missense change (SIFT: "Tolerated"; PolyPhen-2: "Possibly Damaging"; Align-GVGD: "Class C0"). In summary, the available evidence is currently insufficient to determine the role of this variant in disease. Therefore, it has been classified as a Variant of Uncertain Significance.

NM_018344.6(SLC29A3):c.517G>T (p.Val173Leu)

Gene: SLC29A3 (solute carrier family 29 member 3; plus strand). Cytogenetic location: 10q22.1.
Variant type: single nucleotide variant.
Coding change: c.517G>T on transcript NM_018344.6 (MANE Select); coding-DNA position 517, G replaced by T.
Protein change: p.Val173Leu; replaces valine 173 with leucine.
Molecular consequence: missense variant. On other transcripts: non-coding transcript variant (1).
Genome position (GRCh38, 1-based): chr10:71,351,695, G>T. VCF-style: chr10-71351695-G-T. GRCh37 (hg19) VCF-style: chr10-73111452-G-T.
Other names: c.517G>T, p.Val173Leu (NM_001174098.2); c.283G>T, p.Val95Leu (NM_001363518.2); short protein forms V173L, V95L.
Identifiers: ClinVar variation 2076831 (VCV002076831.3), dbSNP rs752487563, ClinGen allele CA5542952.